The following is an entry in ClinVar:

NM_018359.5(UFSP2):c.1277A>C (p.Asp426Ala)

Gene: UFSP2 (UFM1 specific peptidase 2; minus strand). Cytogenetic location: 4q35.1.
Variant type: single nucleotide variant.
Coding change: c.1277A>C on transcript NM_018359.5 (MANE Select); coding-DNA position 1277, A replaced by C.
Protein change: p.Asp426Ala; replaces aspartic acid 426 with alanine.
Molecular consequence: missense variant. On other transcripts: non-coding transcript variant (2).
Genome position (GRCh38, 1-based): chr4:185,403,540, T>G on the plus strand (A>C on the coding strand, the complement: UFSP2 is on the minus strand). VCF-style: chr4-185403540-T-G. GRCh37 (hg19) VCF-style: chr4-186324694-T-G.
Other names: short protein forms D426A.
Identifiers: ClinVar variation 437868 (VCV000437868.4), dbSNP rs1554022725, ClinGen allele CA358911778.

ClinVar aggregate classification (germline): Pathogenic. Review status: criteria provided, multiple submitters, no conflicts (2 of 4 stars). 3 submissions from 3 submitters: Pathogenic (2). 1 of the submissions does not count toward it. Last evaluated 2018-10-15.

Conditions:
Spondyloepimetaphyseal dysplasia, di rocco type. Identifiers: MedGen C4693799, MONDO:0060702, OMIM 617974.
Hip dysplasia, Beukes type. Also called: BEUKES FAMILIAL HIP DYSPLASIA; OSTEOARTHROPATHY, PREMATURE DEGENERATIVE, OF HIP. Identifiers: Orphanet 2114, MedGen C1840572, MONDO:0007726, OMIM 142669.

Submissions (3):

SIB Swiss Institute of Bioinformatics
Classification: Pathogenic for Spondyloepimetaphyseal dysplasia, di rocco type. Last evaluated: 2018-10-15. Review status: criteria provided, single submitter. Criteria: ACMG Guidelines, 2015. Collection method: curation. Allele origin: germline.
Comment: This variant is interpreted as Pathogenic, for Spondyloepimetaphyseal dysplasia, Di Rocco type, autosomal dominant. The following ACMG Tag(s) were applied: PP3 => Multiple lines of computational evidence support a deleterious effect on the gene or gene product. PM2 => Absent from controls (or at extremely low frequency if recessive) in Exome Sequencing Project, 1000 Genomes Project, or Exome Aggregation Consortium. PP1 => Cosegregation with disease in multiple affected family members in a gene definitively known to cause the disease (PubMed 28892125). PM1 => Located in a mutational hot spot and/or critical and well-established functional domain (e.g., active site of an enzyme) without benign variation. PS3 => Well-established functional studies show a deleterious effect (PubMed 21228277).

UOSD Genetics and Genomics of Rare Diseases, Istituto Giannina Gaslini
Classification: Pathogenic for Hip dysplasia, Beukes type. Review status: criteria provided, single submitter. Criteria: ACMG Guidelines, 2015. Collection method: clinical testing. Allele origin: inherited. Inheritance: Autosomal dominant inheritance. Affected: yes. Observed: 3 variant alleles, 3 heterozygotes. Clinical features observed: Developmental dysplasia of the hip.
Comment: Exome Sequencing allowed us to identify the heterozygous variant c.1277A>C (p.D426A) of the UFSP2 gene in all the affected members of a family with recurrence of Beukes Hip Dysplasia. This mutation is predicted as damaging by numerous softwares (Polyphen-2, SIFT, Mutation Taster2, etc), with a CADD score >20. In addition, based on in vitro mutagenesis already reported, the mutation directly affects one of the catalytic residues participating in the active site of the protein (Ha BH, Jeon YJ, Shin SC, et al. Structure of ubiquitin-fold modifier 1-specific protease UfSP2. J Biol Chem 2011; 286:10248-57).

OMIM
Classification: Pathogenic for SPONDYLOEPIMETAPHYSEAL DYSPLASIA, DI ROCCO TYPE. Last evaluated: 2022-09-01. Review status: no assertion criteria provided. Collection method: literature only. Allele origin: germline. Not counted in ClinVar's aggregate classification.

Literature cited by the submitters: PubMed 28892125 (cited by 3 submitters); PubMed 21228277 (cited by SIB Swiss Institute of Bioinformatics).